The following is an entry in ClinVar:

NM_004333.6(BRAF):c.1993-11T>C

Gene: BRAF (B-Raf proto-oncogene, serine/threonine kinase; minus strand). Cytogenetic location: 7q34.
Variant type: single nucleotide variant.
Coding change: c.1993-11T>C on transcript NM_004333.6 (MANE Select); 11 bases into the intron before coding-DNA position 1993, T replaced by C.
Molecular consequence: intron variant.
Genome position (GRCh38, 1-based): chr7:140,739,957, A>G on the plus strand (T>C on the coding strand, the complement: BRAF is on the minus strand). VCF-style: chr7-140739957-A-G. GRCh37 (hg19) VCF-style: chr7-140439757-A-G.
Other names: c.1993-11T>C (NM_001378474.1, NM_001378468.1, NM_001354609.2); c.1891-11T>C (NM_001378470.1); c.1729-11T>C (NM_001378475.1); c.1882-11T>C (NM_001378471.1); c.2113-11T>C (NM_001374258.1, NM_001374244.1); c.2002-11T>C (NM_001378467.1); c.1837-11T>C (NM_001378472.1, NM_001378473.1); c.1927-11T>C (NM_001378469.1).
Identifiers: ClinVar variation 1205197 (VCV001205197.15), dbSNP rs750297886, ClinGen allele CA4516606.
Genomic context (GRCh38, chr7:140,739,957, plus strand): 5'-ACCTTACTGAGATCTGGAGACAGGTATCCTCGTCCCACCATAAAAATTATCTGGAGAGAG[A>G]AAAAAAAGGGAAATAATTCAACCTTGTAGATAAGTTGAAAAATATACTTCACACTCATTG-3'

ClinVar aggregate classification (germline): Likely benign. Review status: criteria provided, multiple submitters, no conflicts (2 of 4 stars). 5 submissions from 5 submitters: Likely benign (5). Last evaluated 2026-01-11.

Conditions:
Melanoma, cutaneous malignant, susceptibility to, 1 (CMM1). Also called: DYSPLASTIC NEVUS SYNDROME, HEREDITARY; FAMILIAL ATYPICAL MOLE-MALIGNANT MELANOMA SYNDROME; MELANOMA, MALIGNANT; B-K MOLE SYNDROME. Identifiers: Orphanet 618, MedGen C1835047, MONDO:0007963, OMIM 155600.
LEOPARD syndrome 3 (LPRD3). Identifiers: Orphanet 500, MedGen C3150971, MONDO:0013380, OMIM 613707.
Noonan syndrome 7 (NS7). Also called: BRAF-Related Noonan Syndrome. Identifiers: Orphanet 648, MedGen C3150970, MONDO:0013379, OMIM 613706.
Colorectal cancer. Also called: Colorectal cancer, somatic; Malignant Colorectal Neoplasm. Identifiers: MedGen C0346629, MONDO:0005575, OMIM 114500.
Cardiofaciocutaneous syndrome 1 (CFC1). Also called: BRAF-Related Cardiofaciocutaneous Syndrome. Identifiers: Orphanet 1340, MedGen CN029449, MONDO:0007265, OMIM 115150. Disease mechanism: gain of function.
Lung cancer. Also called: Malignant tumor of lung; Lung cancer, somatic. Identifiers: MedGen C0242379, MONDO:0008903, OMIM 211980.
Noonan syndrome 1 (NS1). Also called: FEMALE PSEUDO-TURNER SYNDROME; TURNER PHENOTYPE WITH NORMAL KARYOTYPE; PTPN11-Related Noonan Syndrome. Identifiers: Orphanet 648, MedGen C4551602, MONDO:0008104, OMIM 163950. Disease mechanism: gain of function.
RASopathy. Also called: rasopathies; Noonan spectrum disorder. Identifiers: Orphanet 536391, MedGen C5555857, MONDO:0021060.

Allele frequency attached by ClinVar (database versions not stated): gnomAD exomes 0.00001 and 0.00004; TOPMed 0.00006; ExAC 0.00007; gnomAD 0.00008 and 0.00009.
gnomAD v4.1: 29 of 1,608,940 alleles (0.0018%); highest among the groups gnomAD compares: African/African-American, 0.024%; no homozygotes.

Submissions (6):

Labcorp Genetics (formerly Invitae), Labcorp
Classification: Likely benign for RASopathy. Last evaluated: 2026-01-11. Review status: criteria provided, single submitter. Criteria: Invitae Variant Classification Sherloc (09022015). Collection method: clinical testing. Allele origin: germline.

Women's Health and Genetics/Laboratory Corporation of America, LabCorp
Classification: Likely benign. Last evaluated: 2024-09-04. Review status: criteria provided, single submitter. Criteria: LabCorp Variant Classification Summary - May 2015. Collection method: clinical testing. Allele origin: germline.
Comment: Variant summary: BRAF c.1993-11T>C alters a non-conserved nucleotide located at a position not widely known to affect splicing. The variant allele was found at a frequency of 3.7e-05 in 246058 control chromosomes. The available data on variant occurrences in the general population are insufficient to allow any conclusion about variant significance. To our knowledge, no occurrence of c.1993-11T>C in individuals affected with Cardiofaciocutaneous Syndrome and no experimental evidence demonstrating its impact on protein function have been reported. ClinVar contains an entry for this variant (Variation ID: 1205197). Based on the evidence outlined above, the variant was classified as likely benign.

ARUP Laboratories, Molecular Genetics and Genomics, ARUP Laboratories
Classification: Likely benign. Last evaluated: 2023-09-29. Review status: criteria provided, single submitter. Criteria: ARUP Molecular Germline Variant Investigation Process 2024. Collection method: clinical testing. Allele origin: germline.

Fulgent Genetics
Classification: Likely benign for Colorectal cancer; Cardiofaciocutaneous syndrome 1; Melanoma, cutaneous malignant, susceptibility to, 1; Noonan syndrome 1; Lung cancer; Noonan syndrome 7; LEOPARD syndrome 3. Last evaluated: 2021-12-14. Review status: criteria provided, single submitter. Criteria: ACMG Guidelines, 2015. Collection method: clinical testing. Allele origin: unknown.

GeneDx
Classification: Likely benign. Last evaluated: 2019-01-24. Review status: criteria provided, single submitter. Criteria: GeneDx Variant Classification Process June 2021. Collection method: clinical testing. Allele origin: germline. Affected: yes.

Dr. Peter K. Rogan Lab, Western University
No classification provided (evidence only). Condition: Familial cancer of breast. Review status: no classification provided. Collection method: in vitro. Allele origin: not applicable. Functional consequence: retained intron. Not counted in ClinVar's aggregate classification.